The following is an entry in ClinVar:

NM_153704.6(TMEM67):c.279T>C (p.Pro93=)

Gene: TMEM67 (transmembrane protein 67; plus strand). Cytogenetic location: 8q22.1.
Variant type: single nucleotide variant.
Coding change: c.279T>C on transcript NM_153704.6 (MANE Select); coding-DNA position 279, T replaced by C.
Protein change: p.Pro93=; no amino-acid change (proline 93 retained).
Molecular consequence: synonymous variant. On other transcripts: non-coding transcript variant (1), intron variant (1).
Genome position (GRCh38, 1-based): chr8:93,755,833, T>C. VCF-style: chr8-93755833-T-C. GRCh37 (hg19) VCF-style: chr8-94768061-T-C.
Other names: c.-62+696T>C (NM_001142301.1).
Identifiers: ClinVar variation 698786 (VCV000698786.11), dbSNP rs199900812, ClinGen allele CA4807570.

ClinVar aggregate classification (germline): Likely benign. Review status: criteria provided, multiple submitters, no conflicts (2 of 4 stars). 3 submissions from 3 submitters: Likely benign (3). Last evaluated 2026-01-24.

Conditions:
TMEM67-related disorder. Also called: TMEM67-related disorders; TMEM67-related condition. Identifiers: MedGen CN239423.
Meckel-Gruber syndrome. Also called: GRUBER SYNDROME; Dysencephalia splachnocystica; DYSENCEPHALIA SPLANCHNOCYSTICA. Identifiers: Orphanet 564, MedGen C0265215, MONDO:0018921.
Joubert syndrome. Also called: Familial aplasia of the vermis; JOUBERT-BOLTSHAUSER SYNDROME. Identifiers: Orphanet 475, MedGen C5979921, MONDO:0018772.

Allele frequency attached by ClinVar (database versions not stated): ExAC 0.00001; gnomAD exomes 0.00001; gnomAD 0.00005 and 0.00006; 1000 Genomes Project 30x 0.00016; 1000 Genomes Project 0.00020.
gnomAD v4.1: 20 of 1,592,332 alleles (0.0013%); highest among the groups gnomAD compares: Admixed American, 0.025%; no homozygotes.

Submissions (3):

Labcorp Genetics (formerly Invitae), Labcorp
Classification: Likely benign for Joubert syndrome; Meckel-Gruber syndrome. Last evaluated: 2026-01-24. Review status: criteria provided, single submitter. Criteria: Invitae Variant Classification Sherloc (09022015). Collection method: clinical testing. Allele origin: germline.

PreventionGenetics, part of Exact Sciences
Classification: Likely benign for TMEM67-related condition. Last evaluated: 2025-04-14. Review status: criteria provided, single submitter. Criteria: ACMG Guidelines, 2015. Collection method: clinical testing. Allele origin: germline.
Comment: This variant is classified as likely benign based on ACMG/AMP sequence variant interpretation guidelines (Richards et al. 2015 PMID: 25741868, with internal and published modifications).

Blueprint Genetics
Classification: Likely benign. Last evaluated: 2021-10-04. Review status: criteria provided, single submitter. Criteria: ACMG Guidelines, 2015. Collection method: clinical testing. Allele origin: germline.